The following is an entry in ClinVar:

NM_000179.3(MSH6):c.289T>G (p.Trp97Gly)

Gene: MSH6 (mutS homolog 6; plus strand). Cytogenetic location: 2p16.3.
Variant type: single nucleotide variant.
Coding change: c.289T>G on transcript NM_000179.3 (MANE Select); coding-DNA position 289, T replaced by G.
Protein change: p.Trp97Gly; replaces tryptophan 97 with glycine.
Molecular consequence: missense variant. On other transcripts: 5 prime UTR variant (21), non-coding transcript variant (5), intron variant (5).
Genome position (GRCh38, 1-based): chr2:47,790,955, T>G. VCF-style: chr2-47790955-T-G. GRCh37 (hg19) VCF-style: chr2-48018094-T-G.
Other names: c.-448T>G (NM_001281493.2, NM_001406811.1, NM_001406823.1 and 1 more transcripts); c.-614T>G (NM_001281494.2); c.385T>G, p.Trp129Gly (NM_001406795.1, NM_001406802.1); c.289T>G, p.Trp97Gly (NM_001406796.1, NM_001406798.1, NM_001406800.1 and 6 more transcripts); c.-9T>G (NM_001406797.1, NM_001406801.1, NM_001406805.1 and 10 more transcripts); c.211T>G, p.Trp71Gly (NM_001406804.1); c.-640T>G (NM_001406807.1); c.-295T>G (NM_001406812.1); and 6 more; short protein forms W129G, W97G, W71G, W41G.
Identifiers: ClinVar variation 4827451 (VCV004827451.1).

ClinVar aggregate classification (germline): Uncertain significance (1 of 4 stars; one submission).

Conditions:
Hereditary cancer-predisposing syndrome. Also called: Neoplastic Syndromes, Hereditary; Tumor predisposition; Hereditary Cancer Syndrome; Hereditary neoplastic syndrome. Identifiers: Orphanet 140162, MedGen C0027672, MeSH D009386, MONDO:0015356.

Submission:

Ambry Genetics
Classification: Uncertain significance for Hereditary cancer-predisposing syndrome. Last evaluated: 2026-03-02. Review status: criteria provided, single submitter. Criteria: Ambry Variant Classification Scheme 2023. Collection method: clinical testing. Allele origin: germline.
Comment: The p.W97G variant (also known as c.289T>G), located in coding exon 2 of the MSH6 gene, results from a T to G substitution at nucleotide position 289. The tryptophan at codon 97 is replaced by glycine, an amino acid with highly dissimilar properties. This amino acid position is conserved. In addition, this alteration is predicted to be deleterious by in silico analysis. Based on the available evidence, the clinical significance of this variant remains unclear.